The following is an entry in ClinVar:

ClinVar aggregate classification (germline): Uncertain significance. Review status: criteria provided, single submitter (1 of 4 stars). 2 submissions from 2 submitters: Uncertain significance (1). 1 of the submissions does not count toward it. Last evaluated 2023-08-17.

Conditions:
Retinal dystrophy. Also called: Inherited retinal dystrophy. Identifiers: Orphanet 71862, MedGen C0854723, MeSH D058499, MONDO:0019118, HP:0000556.

Allele frequency attached by ClinVar (database versions not stated): gnomAD exomes below 0.00001; ExAC 0.00001; TOPMed 0.00001.
gnomAD v4.1: 4 of 1,614,198 alleles (0.00025%); highest among the groups gnomAD compares: Non-Finnish European, 0.00034%; no homozygotes.

Submissions (2):

Labcorp Genetics (formerly Invitae), Labcorp
Classification: Uncertain significance. Last evaluated: 2023-08-17. Review status: criteria provided, single submitter. Criteria: Invitae Variant Classification Sherloc (09022015). Collection method: clinical testing. Allele origin: germline.
Comment: This sequence change replaces lysine, which is basic and polar, with asparagine, which is neutral and polar, at codon 258 of the ACO2 protein (p.Lys258Asn). In summary, the available evidence is currently insufficient to determine the role of this variant in disease. Therefore, it has been classified as a Variant of Uncertain Significance. This variant is present in population databases (rs751703387, gnomAD 0.002%). This variant has not been reported in the literature in individuals affected with ACO2-related conditions. ClinVar contains an entry for this variant (Variation ID: 1497959). Advanced modeling of protein sequence and biophysical properties (such as structural, functional, and spatial information, amino acid conservation, physicochemical variation, residue mobility, and thermodynamic stability) performed at Invitae indicates that this missense variant is not expected to disrupt ACO2 protein function.

Institute of Human Genetics, Univ. Regensburg, Univ. Regensburg
Classification: Uncertain significance for Retinal dystrophy. Last evaluated: 2022-01-01. Review status: no assertion criteria provided. Criteria: ACMG Guidelines, 2015. Collection method: clinical testing. Allele origin: germline. Affected: yes. Not counted in ClinVar's aggregate classification.

NM_001098.3(ACO2):c.774A>T (p.Lys258Asn)

Gene: ACO2 (aconitase 2; plus strand). Cytogenetic location: 22q13.2.
Variant type: single nucleotide variant.
Coding change: c.774A>T on transcript NM_001098.3 (MANE Select); coding-DNA position 774, A replaced by T.
Protein change: p.Lys258Asn; replaces lysine 258 with asparagine.
Molecular consequence: missense variant.
Genome position (GRCh38, 1-based): chr22:41,515,856, A>T. VCF-style: chr22-41515856-A-T. GRCh37 (hg19) VCF-style: chr22-41911860-A-T.
Other names: short protein forms K258N.
Identifiers: ClinVar variation 1497959 (VCV001497959.9), dbSNP rs751703387, ClinGen allele CA10257442.